The following is an entry in ClinVar:

NM_024408.4(NOTCH2):c.4312G>A (p.Val1438Ile)

Gene: NOTCH2 (notch receptor 2; minus strand). Cytogenetic location: 1p12.
Variant type: single nucleotide variant.
Coding change: c.4312G>A on transcript NM_024408.4 (MANE Select); coding-DNA position 4312, G replaced by A.
Protein change: p.Val1438Ile; replaces valine 1438 with isoleucine.
Molecular consequence: missense variant.
Genome position (GRCh38, 1-based): chr1:119,925,504, C>T on the plus strand (G>A on the coding strand, the complement: NOTCH2 is on the minus strand). VCF-style: chr1-119925504-C-T. GRCh37 (hg19) VCF-style: chr1-120468127-C-T.
Other names: short protein forms V1438I.
Identifiers: ClinVar variation 288470 (VCV000288470.19), dbSNP rs745861610, ClinGen allele CA1039872.
Genomic context (GRCh38, chr1:119,925,504, plus strand): 5'-TGAGAGAACAGTCACCCCCATCCCACTGGCAGGCATGGCTGTTGCAGGCCTCATCACAGA[C>T]GCCATCCCGAGCTTTGTCGGCACAATACTGGCTCAGACAGGTGGCAGGAGGGGTGCTGGG-3'
Protein context (NP_077719.2, residues 1428-1448): QYCADKARDG[Val1438Ile]CDEACNSHAC

ClinVar aggregate classification (germline): Conflicting classifications of pathogenicity. Review status: criteria provided, conflicting classifications (1 of 4 stars). 3 submissions from 3 submitters: Uncertain significance (1); Benign (1). 1 of the submissions does not count toward it. Last evaluated 2025-10-11.

Conditions:
NOTCH2-related disorder. Also called: NOTCH2-related condition.
Hajdu-Cheney syndrome (HJCYS). Also called: ACROOSTEOLYSIS WITH OSTEOPOROSIS AND CHANGES IN SKULL AND MANDIBLE; SERPENTINE FIBULA-POLYCYSTIC KIDNEY SYNDROME; Acroosteolysis dominant type. Identifiers: Orphanet 955, MedGen C0917715, MONDO:0007057, OMIM 102500.

Allele frequency attached by ClinVar (database versions not stated): gnomAD 0.00006 and 0.00007; gnomAD exomes 0.00006 and 0.00015; TOPMed 0.00008; ExAC 0.00019.
gnomAD v4.1: 91 of 1,614,038 alleles (0.0056%); highest among the groups gnomAD compares: East Asian, 0.078%; 1 homozygote.

Submissions (3):

Labcorp Genetics (formerly Invitae), Labcorp
Classification: Benign for Hajdu-Cheney syndrome. Last evaluated: 2025-10-11. Review status: criteria provided, single submitter. Criteria: Invitae Variant Classification Sherloc (09022015). Collection method: clinical testing. Allele origin: germline.

Eurofins Ntd Llc (ga)
Classification: Uncertain significance. Last evaluated: 2016-06-03. Review status: criteria provided, single submitter. Criteria: EGL Classification Definitions 2015. Collection method: clinical testing. Allele origin: germline. Observed: 1 variant allele, 1 heterozygote.

PreventionGenetics, part of Exact Sciences
Classification: Likely benign for NOTCH2-related condition. Last evaluated: 2023-12-28. Review status: no assertion criteria provided. Collection method: clinical testing. Allele origin: germline. Not counted in ClinVar's aggregate classification.
Comment: This variant is classified as likely benign based on ACMG/AMP sequence variant interpretation guidelines (Richards et al. 2015 PMID: 25741868, with internal and published modifications).